The following is an entry in ClinVar:

NM_138554.5(TLR4):c.219C>G (p.Ser73Arg)

Gene: TLR4 (toll like receptor 4; plus strand). Cytogenetic location: 9q33.1.
Variant type: single nucleotide variant.
Coding change: c.219C>G on transcript NM_138554.5 (MANE Select); coding-DNA position 219, C replaced by G.
Protein change: p.Ser73Arg; replaces serine 73 with arginine.
Molecular consequence: missense variant. On other transcripts: intron variant (1).
Genome position (GRCh38, 1-based): chr9:117,708,688, C>G. VCF-style: chr9-117708688-C-G. GRCh37 (hg19) VCF-style: chr9-120470966-C-G.
Other names: c.99C>G, p.Ser33Arg (NM_003266.4); c.-340-3701C>G (NM_138557.3); short protein forms S33R, S73R.
Identifiers: ClinVar variation 3056126 (VCV003056126.2), dbSNP rs147453131, ClinGen allele CA5212176.

ClinVar aggregate classification (germline): Benign (0 of 4 stars; one submission).

Conditions:
TLR4-related disorder. Also called: TLR4-related condition.

Allele frequency attached by ClinVar (database versions not stated): gnomAD 0.00046; TOPMed 0.00073; ExAC 0.00121; 1000 Genomes Project 30x 0.00203; 1000 Genomes Project 0.00220.
gnomAD v4.1: 602 of 1,613,920 alleles (0.037%); highest among the groups gnomAD compares: East Asian, 1.2%; 3 homozygotes.

Submission:

PreventionGenetics, part of Exact Sciences
Classification: Benign for TLR4-related condition. Last evaluated: 2019-08-09. Review status: no assertion criteria provided. Collection method: clinical testing. Allele origin: germline.
Comment: This variant is classified as benign based on ACMG/AMP sequence variant interpretation guidelines (Richards et al. 2015 PMID: 25741868, with internal and published modifications).